The following is an entry in ClinVar:

NM_020975.6(RET):c.3197A>T (p.Asp1066Val)

Gene: RET (ret proto-oncogene; plus strand). Cytogenetic location: 10q11.21.
Variant type: single nucleotide variant.
Coding change: c.3197A>T on transcript NM_020975.6 (MANE Select); coding-DNA position 3197, A replaced by T.
Protein change: p.Asp1066Val; replaces aspartic acid 1066 with valine.
Molecular consequence: missense variant. On other transcripts: 3 prime UTR variant (18), intron variant (3).
Genome position (GRCh38, 1-based): chr10:43,128,121, A>T. VCF-style: chr10-43128121-A-T. GRCh37 (hg19) VCF-style: chr10-43623569-A-T.
Other names: c.*1367A>T (NM_001406787.1, NM_001406790.1, NM_001406791.1 and 15 more transcripts); c.2012A>T, p.Asp671Val (NM_001406788.1, NM_001406789.1); c.1748A>T, p.Asp583Val (NM_001406792.1); c.1688A>T, p.Asp563Val (NM_001406793.1); c.3188-1397A>T (NM_001406744.1); c.2291-1397A>T (NM_001406781.1); c.2462-1397A>T (NM_001406776.1); c.3197A>T, p.Asp1066Val (NM_001406743.1); and 10 more; short protein forms D1021V, D804V, D934V, D1023V, D563V, D671V, D920V, D1046V.
Identifiers: ClinVar variation 3788333 (VCV003788333.1).
Genomic context (GRCh38, chr10:43,128,121, plus strand): 5'-TTGAAGTTTTGGTTCTTCAGTGCAGAACAAATGATCTGTTTTCATTTTTAGGCATGTCAG[A>T]CCCGAACTGGCCTGGAGAGAGTCCTGTACCACTCACGAGAGCTGATGGCACTAACACTGG-3'
Protein context (NP_066124.1, residues 1056-1076): WIENKLYGMS[Asp1066Val]PNWPGESPVP

ClinVar aggregate classification (germline): Uncertain significance (1 of 4 stars; one submission).

Conditions:
Hereditary cancer-predisposing syndrome. Also called: Neoplastic Syndromes, Hereditary; Hereditary Cancer Syndrome; Tumor predisposition; Hereditary neoplastic syndrome. Identifiers: Orphanet 140162, MedGen C0027672, MeSH D009386, MONDO:0015356.

Submission:

Ambry Genetics
Classification: Uncertain significance for Hereditary cancer-predisposing syndrome. Last evaluated: 2025-01-23. Review status: criteria provided, single submitter. Criteria: Ambry Variant Classification Scheme 2023. Collection method: clinical testing. Allele origin: germline.
Comment: The p.D1066V variant (also known as c.3197A>T), located in coding exon 20 of the RET gene, results from an A to T substitution at nucleotide position 3197. The aspartic acid at codon 1066 is replaced by valine, an amino acid with highly dissimilar properties. This amino acid position is conserved. In addition, the in silico prediction for this alteration is inconclusive. Based on the available evidence, the clinical significance of this variant remains unclear.